The following is an entry in ClinVar:

NM_001005498.4(RHBDF2):c.1575-16T>A

Gene: RHBDF2 (rhomboid 5 homolog 2; minus strand). Cytogenetic location: 17q25.1.
Variant type: single nucleotide variant.
Coding change: c.1575-16T>A on transcript NM_001005498.4 (MANE Select); 16 bases into the intron before coding-DNA position 1575, T replaced by A.
Molecular consequence: intron variant.
Genome position (GRCh38, 1-based): chr17:76,473,918, A>T on the plus strand (T>A on the coding strand, the complement: RHBDF2 is on the minus strand). VCF-style: chr17-76473918-A-T. GRCh37 (hg19) VCF-style: chr17-74470000-A-T.
Other names: c.1662-16T>A (NM_024599.5); c.1575-16T>A (NM_001376230.1, NM_001376228.1, NM_001376229.1).
Identifiers: ClinVar variation 1536949 (VCV001536949.14), dbSNP rs201325813, ClinGen allele CA8786938.

ClinVar aggregate classification (germline): Benign/Likely benign. Review status: criteria provided, multiple submitters, no conflicts (2 of 4 stars). 3 submissions from 3 submitters: Benign (2); Likely benign (1). Last evaluated 2026-04-01.

Allele frequency attached by ClinVar (database versions not stated): 1000 Genomes Project 30x 0.00156; 1000 Genomes Project 0.00160; ESP Exome Variant Server 0.00300; ExAC 0.00333.
gnomAD v4.1: 5,156 of 1,613,772 alleles (0.32%); highest among the groups gnomAD compares: Middle Eastern, 2.1%; 28 homozygotes.

Submissions (14):

CeGaT Center for Human Genetics Tuebingen
Classification: Likely benign. Last evaluated: 2026-04-01. Review status: criteria provided, single submitter. Criteria: CeGaT Center For Human Genetics Tuebingen Variant Classification Criteria Version 2. Collection method: clinical testing. Allele origin: germline. Affected: yes. Observed: 2 variant alleles.
Comment: RHBDF2: BS2

Labcorp Genetics (formerly Invitae), Labcorp
Classification: Benign. Last evaluated: 2026-02-02. Review status: criteria provided, single submitter. Criteria: Invitae Variant Classification Sherloc (09022015). Collection method: clinical testing. Allele origin: germline.

Breakthrough Genomics
Classification: Benign. Review status: criteria provided, single submitter. Criteria: ACMG Guidelines, 2015. Collection method: not provided. Allele origin: germline. Inheritance: Autosomal dominant inheritance. Affected: yes.

Dr. Peter K. Rogan Lab, Western University
No classification provided (evidence only). Condition: Clear cell carcinoma of kidney. Review status: no classification provided. Collection method: in vitro. Allele origin: not applicable. Functional consequence: retained intron. Not counted in ClinVar's aggregate classification.

Dr. Peter K. Rogan Lab, Western University
No classification provided (evidence only). Condition: Clear cell carcinoma of kidney. Review status: no classification provided. Collection method: in vitro. Allele origin: not applicable. Functional consequence: retained intron. Not counted in ClinVar's aggregate classification.

Dr. Peter K. Rogan Lab, Western University
No classification provided (evidence only). Condition: Clear cell carcinoma of kidney. Review status: no classification provided. Collection method: in vitro. Allele origin: not applicable. Functional consequence: retained intron. Not counted in ClinVar's aggregate classification.

Dr. Peter K. Rogan Lab, Western University
No classification provided (evidence only). Condition: Sarcoma. Review status: no classification provided. Collection method: in vitro. Allele origin: not applicable. Functional consequence: retained intron. Not counted in ClinVar's aggregate classification.

Dr. Peter K. Rogan Lab, Western University
No classification provided (evidence only). Condition: Ovarian serous cystadenocarcinoma. Review status: no classification provided. Collection method: in vitro. Allele origin: not applicable. Functional consequence: retained intron. Not counted in ClinVar's aggregate classification.

Dr. Peter K. Rogan Lab, Western University
No classification provided (evidence only). Condition: Ovarian serous cystadenocarcinoma. Review status: no classification provided. Collection method: in vitro. Allele origin: not applicable. Functional consequence: retained intron. Not counted in ClinVar's aggregate classification.

Dr. Peter K. Rogan Lab, Western University
No classification provided (evidence only). Condition: Gastric cancer. Review status: no classification provided. Collection method: in vitro. Allele origin: not applicable. Functional consequence: retained intron. Not counted in ClinVar's aggregate classification.

Dr. Peter K. Rogan Lab, Western University
No classification provided (evidence only). Condition: Gastric cancer. Review status: no classification provided. Collection method: in vitro. Allele origin: not applicable. Functional consequence: retained intron. Not counted in ClinVar's aggregate classification.

Dr. Peter K. Rogan Lab, Western University
No classification provided (evidence only). Condition: Uterine carcinosarcoma. Review status: no classification provided. Collection method: in vitro. Allele origin: not applicable. Functional consequence: retained intron. Not counted in ClinVar's aggregate classification.

Dr. Peter K. Rogan Lab, Western University
No classification provided (evidence only). Condition: Malignant tumor of esophagus. Review status: no classification provided. Collection method: in vitro. Allele origin: not applicable. Functional consequence: retained intron. Not counted in ClinVar's aggregate classification.

Dr. Peter K. Rogan Lab, Western University
No classification provided (evidence only). Condition: Malignant tumor of esophagus. Review status: no classification provided. Collection method: in vitro. Allele origin: not applicable. Functional consequence: retained intron. Not counted in ClinVar's aggregate classification.